The following is an entry in ClinVar:

ClinVar aggregate classification (germline): Uncertain significance (1 of 4 stars; one submission).

Conditions:
Hereditary cancer-predisposing syndrome. Also called: Tumor predisposition; Hereditary Cancer Syndrome; Neoplastic Syndromes, Hereditary; Hereditary neoplastic syndrome. Identifiers: Orphanet 140162, MedGen C0027672, MeSH D009386, MONDO:0015356.

gnomAD v4.1: 1 of 1,614,034 alleles (0.000062%); highest among the groups gnomAD compares: Non-Finnish European, 0.000085%; no homozygotes.

Submission:

Ambry Genetics
Classification: Uncertain significance for Hereditary cancer-predisposing syndrome. Last evaluated: 2019-12-12. Review status: criteria provided, single submitter. Criteria: Ambry Variant Classification Scheme 2023. Collection method: clinical testing. Allele origin: germline.
Comment: The p.L865V variant (also known as c.2593C>G), located in coding exon 15 of the DICER1 gene, results from a C to G substitution at nucleotide position 2593. The leucine at codon 865 is replaced by valine, an amino acid with highly similar properties. This amino acid position is highly conserved in available vertebrate species. In addition, the in silico prediction for this alteration is inconclusive. Since supporting evidence is limited at this time, the clinical significance of this alteration remains unclear.

NM_177438.3(DICER1):c.2593C>G (p.Leu865Val)

Gene: DICER1 (dicer 1, ribonuclease III; minus strand). Cytogenetic location: 14q32.13.
Variant type: single nucleotide variant.
Coding change: c.2593C>G on transcript NM_177438.3 (MANE Select); coding-DNA position 2593, C replaced by G.
Protein change: p.Leu865Val; replaces leucine 865 with valine.
Molecular consequence: missense variant. On other transcripts: non-coding transcript variant (6).
Genome position (GRCh38, 1-based): chr14:95,107,937, G>C on the plus strand (C>G on the coding strand, the complement: DICER1 is on the minus strand). VCF-style: chr14-95107937-G-C. GRCh37 (hg19) VCF-style: chr14-95574274-G-C.
Other names: c.2593C>G, p.Leu865Val (NM_001195573.1, NM_001271282.3, NM_001291628.2 and 13 more transcripts); c.2311C>G, p.Leu771Val (NM_001395686.1); c.2188C>G, p.Leu730Val (NM_001395687.1, NM_001395688.1, NM_001395689.1 and 2 more transcripts); c.2026C>G, p.Leu676Val (NM_001395691.1); c.910C>G, p.Leu304Val (NM_001395697.1); short protein forms L676V, L730V, L865V, L771V, L304V.
Identifiers: ClinVar variation 1793548 (VCV001793548.2), dbSNP rs2542839319, ClinGen allele CA390881484.